The following is an entry in ClinVar:

NM_001394062.1(MACF1):c.110-8C>T

Gene: MACF1 (microtubule actin crosslinking factor 1; plus strand). Cytogenetic location: 1p34.3.
Variant type: single nucleotide variant.
Coding change: c.110-8C>T on transcript NM_001394062.1 (MANE Select); 8 bases into the intron before coding-DNA position 110, C replaced by T.
Molecular consequence: intron variant.
Genome position (GRCh38, 1-based): chr1:39,231,174, C>T. VCF-style: chr1-39231174-C-T. GRCh37 (hg19) VCF-style: chr1-39696846-C-T.
Other names: c.221-8C>T (NM_012090.5).
Identifiers: ClinVar variation 4999712 (VCV004999712.1).

ClinVar aggregate classification (germline): Likely benign (1 of 4 stars; one submission).

Conditions:
MACF1-related disorder. Also called: MACF1-related condition.

gnomAD v4.1: 4 of 1,613,916 alleles (0.00025%); highest among the groups gnomAD compares: African/African-American, 0.0053%; no homozygotes.

Submission:

PreventionGenetics, part of Exact Sciences
Classification: Likely benign for MACF1-related condition. Last evaluated: 2025-02-03. Review status: criteria provided, single submitter. Criteria: ACMG Guidelines, 2015. Collection method: clinical testing. Allele origin: germline.
Comment: This variant is classified as likely benign based on ACMG/AMP sequence variant interpretation guidelines (Richards et al. 2015 PMID: 25741868, with internal and published modifications).